The following is an entry in ClinVar:

ClinVar aggregate classification (germline): Uncertain significance (1 of 4 stars; one submission).

Conditions:
Aortic aneurysm, familial thoracic 7 (AAT7). Also called: AORTIC DISSECTION, FAMILIAL, WITH OR WITHOUT AORTIC ANEURYSM. Identifiers: MedGen C3151077, MONDO:0013418, OMIM 613780.

Allele frequency attached by ClinVar (database versions not stated): TOPMed 0.00001.

Submission:

Labcorp Genetics (formerly Invitae), Labcorp
Classification: Uncertain significance for Aortic aneurysm, familial thoracic 7. Last evaluated: 2025-06-06. Review status: criteria provided, single submitter. Criteria: Invitae Variant Classification Sherloc (09022015). Collection method: clinical testing. Allele origin: germline.
Comment: This sequence change replaces alanine, which is neutral and non-polar, with threonine, which is neutral and polar, at codon 789 of the MYLK protein (p.Ala789Thr). This variant is not present in population databases (gnomAD no frequency). This variant has not been reported in the literature in individuals affected with MYLK-related conditions. ClinVar contains an entry for this variant (Variation ID: 2413914). Invitae Evidence Modeling of protein sequence and biophysical properties (such as structural, functional, and spatial information, amino acid conservation, physicochemical variation, residue mobility, and thermodynamic stability) indicates that this missense variant is not expected to disrupt MYLK protein function with a negative predictive value of 80%. In summary, the available evidence is currently insufficient to determine the role of this variant in disease. Therefore, it has been classified as a Variant of Uncertain Significance.

NM_053025.4(MYLK):c.2365G>A (p.Ala789Thr)

Gene: MYLK (myosin light chain kinase; minus strand). Cytogenetic location: 3q21.1.
Variant type: single nucleotide variant.
Coding change: c.2365G>A on transcript NM_053025.4 (MANE Select); coding-DNA position 2365, G replaced by A.
Protein change: p.Ala789Thr; replaces alanine 789 with threonine.
Molecular consequence: missense variant.
Genome position (GRCh38, 1-based): chr3:123,707,779, C>T on the plus strand (G>A on the coding strand, the complement: MYLK is on the minus strand). VCF-style: chr3-123707779-C-T. GRCh37 (hg19) VCF-style: chr3-123426626-C-T.
Other names: c.1837G>A, p.Ala613Thr (NM_001321309.2); c.2158G>A, p.Ala720Thr (NM_053026.4, NM_053028.4); c.2365G>A, p.Ala789Thr (NM_053027.4); short protein forms A613T, A720T, A789T.
Identifiers: ClinVar variation 2413914 (VCV002413914.5), dbSNP rs2061518948, ClinGen allele CA354233637.